The following is an entry in ClinVar:

NM_004360.5(CDH1):c.1487_1490delinsTCCC (p.Ser496_Glu497delinsPhePro)

Gene: CDH1 (cadherin 1; plus strand). Cytogenetic location: 16q22.1.
Variant type: Indel.
Coding change: c.1487_1490delinsTCCC on transcript NM_004360.5 (MANE Select); coding-DNA positions 1487 to 1490, CCGA replaced by TCCC.
Protein change: p.Ser496_Glu497delinsPhePro.
Molecular consequence: missense variant. On other transcripts: 5 prime UTR variant (2).
Genome position (GRCh38, 1-based): chr16:68,815,681-68,815,684, CCGA replaced by TCCC. VCF-style: chr16-68815681-CCGA-TCCC. GRCh37 (hg19) VCF-style: chr16-68849584-CCGA-TCCC.
Other names: c.1304_1307delinsTCCC, p.Ser435_Glu436delinsPhePro (NM_001317184.2); c.-62_-59delinsTCCC (NM_001317185.2); c.-333_-330delinsTCCC (NM_001317186.2).
Identifiers: ClinVar variation 4530700 (VCV004530700.1).

ClinVar aggregate classification (germline): Uncertain significance (1 of 4 stars; one submission).

Conditions:
Gastric cancer. Also called: Stomach cancer; Malignant tumor of stomach. Identifiers: MedGen C0024623, MeSH D013274, MONDO:0001056, OMIM 613659, HP:0012126.

Submission:

Clinical Genetics Laboratory, Skane University Hospital Lund
Classification: Uncertain significance for Gastric cancer. Last evaluated: 2025-11-21. Review status: criteria provided, single submitter. Criteria: ACMG Guidelines, 2015. Collection method: clinical testing. Allele origin: germline. Affected: yes. Observed: 1 heterozygote.
Comment: Applied criterion according to ClinGen CDH1 Expert Panel Specifications to the ACMG/AMP Variant Interpretation Guidelines Version 3.1: PM2_supporting.